The following is an entry in ClinVar:

ClinVar aggregate classification (germline): Pathogenic (1 of 4 stars; one submission).

Conditions:
NBAS-related disorder. Also called: NBAS-related condition.

Submission:

Life Science Institute, Zhejiang University
Classification: Pathogenic for NBAS-related disorder. Last evaluated: 2026-08-06. Review status: criteria provided, single submitter. Criteria: ACMG Guidelines, 2015. Collection method: research. Allele origin: biparental. Inheritance: Autosomal recessive inheritance. Affected: yes. Observed: 1 variant allele, 1 compound heterozygote.
Comment: The NM_015909.4(NBAS):c.4589T>A variant is predicted to introduce a premature termination codon, p.Leu1530Ter, and result in loss of NBAS function, which is an established disease mechanism for autosomal recessive NBAS-related disorder. This variant was identified in an affected individual (P2) in trans with NM_015909.4(NBAS):c.3071G>A, consistent with autosomal recessive inheritance. The variant was absent or extremely rare in population databases evaluated in the study, including gnomAD, ChinaMAP, and Kaviar. The affected individual showed clinical features compatible with NBAS-related disease. Based on the predicted loss-of-function effect, rarity in population databases, occurrence in trans with another NBAS variant in an affected individual, and compatible clinical phenotype, this variant was classified as pathogenic according to ACMG/AMP criteria.

NM_015909.4(NBAS):c.4589T>A (p.Leu1530Ter)

Gene: NBAS (NBAS subunit of NRZ tethering complex; minus strand). Cytogenetic location: 2p24.3.
Variant type: single nucleotide variant.
Coding change: c.4589T>A on transcript NM_015909.4 (MANE Select); coding-DNA position 4589, T replaced by A.
Protein change: p.Leu1530Ter; replaces leucine 1530 with a stop codon.
Molecular consequence: nonsense. On other transcripts: non-coding transcript variant (1).
Genome position (GRCh38, 1-based): chr2:15,309,241, A>T on the plus strand (T>A on the coding strand, the complement: NBAS is on the minus strand). VCF-style: chr2-15309241-A-T. GRCh37 (hg19) VCF-style: chr2-15449365-A-T.
Other names: short protein forms L1530*.
Identifiers: ClinVar variation 4880276 (VCV004880276.1).